The following is an entry in ClinVar:

NM_004656.4(BAP1):c.261dup (p.Pro88fs)

Gene: BAP1 (BRCA1 associated deubiquitinase 1; minus strand). Cytogenetic location: 3p21.1.
Variant type: Duplication.
Coding change: c.261dup on transcript NM_004656.4 (MANE Select); coding-DNA position 261, one base duplicated (A; older notation c.261dupA).
Protein change: p.Pro88fs; shifts the reading frame from proline 88.
Molecular consequence: frameshift variant.
Genome position (GRCh38, 1-based): chr3:52,408,072, T duplicated on the plus strand (A on the coding strand, the reverse complement: BAP1 is on the minus strand). VCF-style (leftmost placement, unchanged base first): chr3-52408071-G-GT. GRCh37 (hg19) VCF-style: chr3-52442087-G-GT.
Other names: short protein forms P88fs.
Identifiers: ClinVar variation 821579 (VCV000821579.5), dbSNP rs1578227605, ClinGen allele CA915942504.

ClinVar aggregate classification (germline): Pathogenic (1 of 4 stars; one submission).

Conditions:
Hereditary cancer-predisposing syndrome. Also called: Tumor predisposition; Hereditary Cancer Syndrome; Neoplastic Syndromes, Hereditary; Hereditary neoplastic syndrome. Identifiers: Orphanet 140162, MedGen C0027672, MeSH D009386, MONDO:0015356.

Submission:

Ambry Genetics
Classification: Pathogenic for Hereditary cancer-predisposing syndrome. Last evaluated: 2026-06-24. Review status: criteria provided, single submitter. Criteria: Ambry Variant Classification Scheme 2023. Collection method: clinical testing. Allele origin: germline.
Comment: The c.261dupA pathogenic mutation, located in coding exon 5 of the BAP1 gene, results from a duplication of A at nucleotide position 261, causing a translational frameshift with a predicted alternate stop codon (p.P88Tfs*38). This variant is considered to be rare based on population cohorts in the Genome Aggregation Database (gnomAD). This alteration is expected to result in loss of function by premature protein truncation or nonsense-mediated mRNA decay. As such, this alteration is interpreted as a disease-causing mutation.